The following is an entry in ClinVar:

NM_004360.5(CDH1):c.1276A>G (p.Thr426Ala)

Gene: CDH1 (cadherin 1; plus strand). Cytogenetic location: 16q22.1.
Variant type: single nucleotide variant.
Coding change: c.1276A>G on transcript NM_004360.5 (MANE Select); coding-DNA position 1276, A replaced by G.
Protein change: p.Thr426Ala; replaces threonine 426 with alanine.
Molecular consequence: missense variant. On other transcripts: 5 prime UTR variant (2), intron variant (1).
Genome position (GRCh38, 1-based): chr16:68,813,451, A>G. VCF-style: chr16-68813451-A-G. GRCh37 (hg19) VCF-style: chr16-68847354-A-G.
Other names: c.-340A>G (NM_001317185.2); c.-544A>G (NM_001317186.2); c.1137+1188A>G (NM_001317184.2); short protein forms T426A.
Identifiers: ClinVar variation 5033961 (VCV005033961.1).

ClinVar aggregate classification (germline): Uncertain significance (1 of 4 stars; one submission).

Conditions:
Hereditary cancer-predisposing syndrome. Also called: Neoplastic Syndromes, Hereditary; Tumor predisposition; Hereditary neoplastic syndrome; Hereditary Cancer Syndrome. Identifiers: Orphanet 140162, MedGen C0027672, MeSH D009386, MONDO:0015356.

Submission:

Ambry Genetics
Classification: Uncertain significance for Hereditary cancer-predisposing syndrome. Last evaluated: 2026-07-07. Review status: criteria provided, single submitter. Criteria: Ambry Variant Classification Scheme 2023. Collection method: clinical testing. Allele origin: germline.
Comment: The p.T426A variant (also known as c.1276A>G), located in coding exon 9 of the CDH1 gene, results from an A to G substitution at nucleotide position 1276. The threonine at codon 426 is replaced by alanine, an amino acid with similar properties. This amino acid position is conserved. In addition, this alteration is predicted to be tolerated by in silico analysis. Based on the available evidence, the clinical significance of this variant remains unclear.